The following is an entry in ClinVar:

NM_001199397.3(NEK1):c.1967AGG[1] (p.Glu657del)

Gene: NEK1 (NIMA related kinase 1; minus strand). Cytogenetic location: 4q33.
Variant type: Microsatellite.
Coding change: c.1967AGG[1] on transcript NM_001199397.3 (MANE Select); one copy of the 3-base unit AGG starting at c.1967; the reference has two copies in a row; one copy, 3 bases deleted.
Protein change: p.Glu657del; deletes glutamic acid 657.
Molecular consequence: inframe deletion. On other transcripts: non-coding transcript variant (1), intron variant (1).
Genome position (GRCh38, 1-based): chr4:169,507,072-169,507,074, CCT deleted on the plus strand (AGG on the coding strand, the reverse complement: NEK1 is on the minus strand); deleting any 3 consecutive bases within chr4:169,507,072-169,507,077 gives the same sequence; the position shown is the placement nearest the transcript's 3' end. VCF-style (leftmost placement, unchanged base first): chr4-169507071-GCCT-G. GRCh37 (hg19) VCF-style: chr4-170428222-GCCT-G.
Other names: c.1835AGG[1], p.Glu613del (NM_001199398.3); c.1676AGG[1], p.Glu560del (NM_001199399.3); c.1751AGG[1], p.Glu585del (NM_001199400.3); c.1967AGG[1], p.Glu657del (NM_001374418.1); c.1883AGG[1], p.Glu629del (NM_001374419.1, NM_012224.4); c.1832AGG[1], p.Glu612del (NM_001374420.1); c.1701+641_1701+643del (NM_001374421.1); c.1886_1888delAGG (NM_012224.2); short protein forms E629del, E657del, E560del, E585del, E612del, E613del.
Identifiers: ClinVar variation 2964422 (VCV002964422.4), dbSNP rs1753398987, ClinGen allele CA1511979869.

ClinVar aggregate classification (germline): Uncertain significance. Review status: criteria provided, single submitter (1 of 4 stars). 2 submissions from 2 submitters: Uncertain significance (1). 1 of the submissions does not count toward it. Last evaluated 2025-03-17.

Conditions:
Short-rib thoracic dysplasia 6 with or without polydactyly (SRTD6). Also called: POLYDACTYLY WITH NEONATAL CHONDRODYSTROPHY, TYPE II; SHORT RIB-POLYDACTYLY SYNDROME, TYPE IIA; Majewski Syndrome; SHORT-RIB THORACIC DYSPLASIA 6 WITH POLYDACTYLY; SHORT-RIB THORACIC DYSPLASIA 6 WITHOUT POLYDACTYLY. Identifiers: MedGen C0024507, MONDO:0009894, OMIM 263520.
NEK1-related disorder. Also called: NEK1-related condition.

Submissions (2):

Labcorp Genetics (formerly Invitae), Labcorp
Classification: Uncertain significance for Short-rib thoracic dysplasia 6 with or without polydactyly. Last evaluated: 2025-03-17. Review status: criteria provided, single submitter. Criteria: Invitae Variant Classification Sherloc (09022015). Collection method: clinical testing. Allele origin: germline.
Comment: This variant, c.1886_1888del, results in the deletion of 1 amino acid(s) of the NEK1 protein (p.Glu629del), but otherwise preserves the integrity of the reading frame. This variant is not present in population databases (gnomAD no frequency). This variant has not been reported in the literature in individuals affected with NEK1-related conditions. Experimental studies and prediction algorithms are not available or were not evaluated, and the functional significance of this variant is currently unknown. In summary, the available evidence is currently insufficient to determine the role of this variant in disease. Therefore, it has been classified as a Variant of Uncertain Significance.

PreventionGenetics, part of Exact Sciences
Classification: Uncertain significance for NEK1-related condition. Last evaluated: 2024-08-03. Review status: no assertion criteria provided. Collection method: clinical testing. Allele origin: germline. Not counted in ClinVar's aggregate classification.
Comment: The NEK1 c.1886_1888delAGG variant is predicted to result in an in-frame deletion (p.Glu629del). To our knowledge, this variant has not been reported in the literature or in a large population database, indicating this variant is rare. At this time, the clinical significance of this variant is uncertain due to the absence of conclusive functional and genetic evidence.